The following is an entry in ClinVar:

NM_000152.5(GAA):c.2742dup (p.Gln915fs)

Gene: GAA (alpha glucosidase; plus strand). Cytogenetic location: 17q25.3.
Variant type: Duplication.
Coding change: c.2742dup on transcript NM_000152.5 (MANE Select); coding-DNA position 2742, one base duplicated (G; older notation c.2742dupG).
Protein change: p.Gln915fs; shifts the reading frame from glutamine 915.
Molecular consequence: frameshift variant.
Genome position (GRCh38, 1-based): chr17:80,118,748, G duplicated. VCF-style (leftmost placement, unchanged base first): chr17-80118747-A-AG. GRCh37 (hg19) VCF-style: chr17-78092546-A-AG.
Other names: c.2742dup, p.Gln915fs (NM_001079803.3, NM_001079804.3, NM_001406741.1 and 1 more transcripts); short protein forms Q915fs.
Identifiers: ClinVar variation 4876662 (VCV004876662.1).

ClinVar aggregate classification (germline): Pathogenic (1 of 4 stars; one submission).

Conditions:
Glycogen storage disease, type II (IOPD). Also called: Pompe Disease; CARDIOMEGALIA GLYCOGENICA DIFFUSA; GLYCOGENOSIS, GENERALIZED, CARDIAC FORM; GSD II; POMPE DISEASE, INFANTILE-ONSET; GLYCOGEN STORAGE DISEASE II, INFANTILE-ONSET. Identifiers: Orphanet 365, MedGen C0017921, MONDO:0009290, OMIM 232300.

Submission:

Genomenon, Inc
Classification: Pathogenic for Glycogen storage disease, type II. Last evaluated: 2026-07-01. Review status: criteria provided, single submitter. Criteria: Genomenon Sequence Variant Interpretation Standards - Updated. Collection method: curation. Allele origin: germline. Affected: yes.
Comment: GAA p.Gln915AlafsTer103 (c.2742dup) is a frameshift variant that results in the production of an extended protein product. This variant has been observed in at least one proband with a GAA-related disorder (PMID:31342611). It is absent or not present at a significant frequency in gnomAD. In conclusion, we classify GAA p.Gln915AlafsTer103 (c.2742dup) as a pathogenic variant.

Literature cited by the submitters: PubMed 31342611.